The following is an entry in ClinVar:

ClinVar aggregate classification (germline): Uncertain significance (1 of 4 stars; one submission).

Conditions:
Cohen syndrome (COH1). Also called: Cutis verticis gyrata, retinitis pigmentosa, and sensorineural deafness; PEPPER SYNDROME. Identifiers: Orphanet 193, MedGen C0265223, MONDO:0008999, OMIM 216550.

Submission:

Labcorp Genetics (formerly Invitae), Labcorp
Classification: Uncertain significance for Cohen syndrome. Last evaluated: 2022-09-07. Review status: criteria provided, single submitter. Criteria: Invitae Variant Classification Sherloc (09022015). Collection method: clinical testing. Allele origin: germline.
Comment: This sequence change replaces glutamic acid, which is acidic and polar, with aspartic acid, which is acidic and polar, at codon 1479 of the VPS13B protein (p.Glu1479Asp). This variant is not present in population databases (gnomAD no frequency). This variant has not been reported in the literature in individuals affected with VPS13B-related conditions. Algorithms developed to predict the effect of missense changes on protein structure and function are either unavailable or do not agree on the potential impact of this missense change (SIFT: "Not Available"; PolyPhen-2: "Benign"; Align-GVGD: "Not Available"). In summary, the available evidence is currently insufficient to determine the role of this variant in disease. Therefore, it has been classified as a Variant of Uncertain Significance.

NM_152564.5(VPS13B):c.4362A>T (p.Glu1454Asp)

Gene: VPS13B (vacuolar protein sorting 13 homolog B; plus strand). Cytogenetic location: 8q22.2.
Variant type: single nucleotide variant.
Coding change: c.4362A>T on transcript NM_152564.5 (MANE Select); coding-DNA position 4362, A replaced by T.
Protein change: p.Glu1454Asp; replaces glutamic acid 1454 with aspartic acid.
Molecular consequence: missense variant.
Genome position (GRCh38, 1-based): chr8:99,511,241, A>T. VCF-style: chr8-99511241-A-T. GRCh37 (hg19) VCF-style: chr8-100523469-A-T.
Other names: c.4437A>T, p.Glu1479Asp (NM_017890.5); short protein forms E1454D, E1479D.
Identifiers: ClinVar variation 2161428 (VCV002161428.4), dbSNP rs775013418, ClinGen allele CA371871461.
Genomic context (GRCh38, chr8:99,511,241, plus strand): 5'-AAATGTCCGCCACAAGTTAACATCAAGAAATGAGCGAAGAAGTTTTCATAAGTTATCTGA[A>T]GGCCTAATGGATGGTTCTCCTCATTTTCTTCATGAAATTCTTCTTTCAGCACAAGCTTTT-3'
Protein context (NP_689777.3, residues 1444-1464): NERRSFHKLS[Glu1454Asp]GLMDGSPHFL